The following is an entry in ClinVar:

ClinVar aggregate classification (germline): Benign/Likely benign. Review status: criteria provided, multiple submitters, no conflicts (2 of 4 stars). 3 submissions from 3 submitters: Benign (1); Likely benign (2). Last evaluated 2025-11-17.

Conditions:
Papillary renal cell carcinoma type 1 (RCCP1). Also called: Renal adenocarcinoma; Renal cell carcinoma 1; Renal cell carcinoma, somatic; RENAL CELL CARCINOMA, PAPILLARY, 1, SOMATIC. Identifiers: Orphanet 47044, MedGen C1336839, OMIM 605074, HP:0011797.
Renal cell carcinoma. Identifiers: Orphanet 217071, MedGen C0007134, MeSH D002292, MONDO:0005086, HP:0005584.
Hereditary cancer-predisposing syndrome. Also called: Tumor predisposition; Hereditary neoplastic syndrome; Hereditary Cancer Syndrome; Neoplastic Syndromes, Hereditary. Identifiers: Orphanet 140162, MedGen C0027672, MeSH D009386, MONDO:0015356.

Allele frequency attached by ClinVar (database versions not stated): gnomAD exomes below 0.00001; TOPMed below 0.00001; ExAC 0.00001; gnomAD 0.00001; ESP Exome Variant Server 0.00008.
gnomAD v4.1: 2 of 1,613,932 alleles (0.00012%); highest among the groups gnomAD compares: Non-Finnish European, 0.00017%; no homozygotes.

Submissions (3):

Labcorp Genetics (formerly Invitae), Labcorp
Classification: Likely benign for Renal cell carcinoma. Last evaluated: 2025-11-17. Review status: criteria provided, single submitter. Criteria: Invitae Variant Classification Sherloc (09022015). Collection method: clinical testing. Allele origin: germline.

Myriad Genetics, Inc.
Classification: Benign for Papillary renal cell carcinoma type 1. Last evaluated: 2024-11-06. Review status: criteria provided, single submitter. Criteria: Myriad Autosomal Dominant, Autosomal Recessive and X-Linked Classification Criteria (2023). Collection method: clinical testing. Allele origin: unknown.
Comment: This variant is considered benign. This variant is a silent/synonymous amino acid change and it is not expected to impact splicing.

Ambry Genetics
Classification: Likely benign for Hereditary cancer-predisposing syndrome. Last evaluated: 2020-02-28. Review status: criteria provided, single submitter. Criteria: Ambry Variant Classification Scheme 2023. Collection method: clinical testing. Allele origin: germline.

NM_000245.4(MET):c.675T>C (p.Gly225=)

Gene: MET (MET proto-oncogene, receptor tyrosine kinase; plus strand). Cytogenetic location: 7q31.2.
Variant type: single nucleotide variant.
Coding change: c.675T>C on transcript NM_000245.4 (MANE Select); coding-DNA position 675, T replaced by C.
Protein change: p.Gly225=; no amino-acid change (glycine 225 retained).
Molecular consequence: synonymous variant. On other transcripts: intron variant (1).
Genome position (GRCh38, 1-based): chr7:116,699,759, T>C. VCF-style: chr7-116699759-T-C. GRCh37 (hg19) VCF-style: chr7-116339813-T-C.
Other names: c.675T>C, p.Gly225= (NM_001127500.3, NM_001324401.3); c.-91+27182T>C (NM_001324402.2).
Identifiers: ClinVar variation 1097308 (VCV001097308.12), dbSNP rs368249740, ClinGen allele CA4448015.
Genomic context (GRCh38, chr7:116,699,759, plus strand): 5'-TTTCCCAGATCATCCATTGCATTCGATATCAGTGAGAAGGCTAAAGGAAACGAAAGATGG[T>C]TTTATGTTTTTGACGGACCAGTCCTACATTGATGTTTTACCTGAGTTCAGAGATTCTTAC-3'
Protein context (NP_000236.2, residues 215-235): SVRRLKETKD[Gly225=]FMFLTDQSYI